The following is an entry in ClinVar:

NM_004304.5(ALK):c.4156T>C (p.Cys1386Arg)

Gene: ALK (ALK receptor tyrosine kinase; minus strand). Cytogenetic location: 2p23.2.
Variant type: single nucleotide variant.
Coding change: c.4156T>C on transcript NM_004304.5 (MANE Select); coding-DNA position 4156, T replaced by C.
Protein change: p.Cys1386Arg; replaces cysteine 1386 with arginine.
Molecular consequence: missense variant.
Genome position (GRCh38, 1-based): chr2:29,196,778, A>G on the plus strand (T>C on the coding strand, the complement: ALK is on the minus strand). VCF-style: chr2-29196778-A-G. GRCh37 (hg19) VCF-style: chr2-29419644-A-G.
Other names: c.952T>C, p.Cys318Arg (NM_001353765.2); short protein forms C318R, C1386R.
Identifiers: ClinVar variation 4775607 (VCV004775607.1).

ClinVar aggregate classification (germline): Uncertain significance (1 of 4 stars; one submission).

Conditions:
Neuroblastoma, susceptibility to, 3. Also called: ALK-Related Neuroblastic Tumor Susceptibility. Identifiers: Orphanet 635, MedGen C2751681, MONDO:0013083, OMIM 613014.

Submission:

Labcorp Genetics (formerly Invitae), Labcorp
Classification: Uncertain significance for Neuroblastoma, susceptibility to, 3. Last evaluated: 2025-06-29. Review status: criteria provided, single submitter. Criteria: Invitae Variant Classification Sherloc (09022015). Collection method: clinical testing. Allele origin: germline.
Comment: This sequence change replaces cysteine, which is neutral and slightly polar, with arginine, which is basic and polar, at codon 1386 of the ALK protein (p.Cys1386Arg). This variant is not present in population databases (gnomAD no frequency). This variant has not been reported in the literature in individuals affected with ALK-related conditions. An algorithm developed to predict the effect of missense changes on protein structure and function (PolyPhen-2) suggests that this variant is likely to be disruptive. In summary, the available evidence is currently insufficient to determine the role of this variant in disease. Therefore, it has been classified as a Variant of Uncertain Significance.